The following is an entry in ClinVar:

ClinVar aggregate classification (germline): Uncertain significance (1 of 4 stars; one submission).

Conditions:
Cardiovascular phenotype. Identifiers: MedGen CN230736.

Allele frequency attached by ClinVar (database versions not stated): gnomAD exomes below 0.00001.
gnomAD v4.1: 1 of 1,613,024 alleles (0.000062%); highest among the groups gnomAD compares: African/African-American, 0.0013%; no homozygotes.

Submission:

Ambry Genetics
Classification: Uncertain significance for Cardiovascular phenotype. Last evaluated: 2022-06-02. Review status: criteria provided, single submitter. Criteria: Ambry Variant Classification Scheme 2023. Collection method: clinical testing. Allele origin: germline.
Comment: The p.N1416D variant (also known as c.4246A>G), located in coding exon 26 of the APOB gene, results from an A to G substitution at nucleotide position 4246. The asparagine at codon 1416 is replaced by aspartic acid, an amino acid with highly similar properties. This amino acid position is conserved. In addition, this alteration is predicted to be tolerated by in silico analysis. Since supporting evidence is limited at this time, the clinical significance of this alteration remains unclear.

NM_000384.3(APOB):c.4246A>G (p.Asn1416Asp)

Gene: APOB (apolipoprotein B; minus strand). Cytogenetic location: 2p24.1.
Variant type: single nucleotide variant.
Coding change: c.4246A>G on transcript NM_000384.3 (MANE Select); coding-DNA position 4246, A replaced by G.
Protein change: p.Asn1416Asp; replaces asparagine 1416 with aspartic acid.
Molecular consequence: missense variant.
Genome position (GRCh38, 1-based): chr2:21,012,622, T>C on the plus strand (A>G on the coding strand, the complement: APOB is on the minus strand). VCF-style: chr2-21012622-T-C. GRCh37 (hg19) VCF-style: chr2-21235494-T-C.
Other names: short protein forms N1416D.
Identifiers: ClinVar variation 1739033 (VCV001739033.2), dbSNP rs899828259, ClinGen allele CA43508724.